The following is an entry in ClinVar:

ClinVar aggregate classification (germline): Uncertain significance (1 of 4 stars; one submission).

Allele frequency attached by ClinVar (database versions not stated): gnomAD exomes below 0.00001; ExAC 0.00001.

Submission:

Labcorp Genetics (formerly Invitae), Labcorp
Classification: Uncertain significance. Last evaluated: 2022-07-13. Review status: criteria provided, single submitter. Criteria: Invitae Variant Classification Sherloc (09022015). Collection method: clinical testing. Allele origin: germline.
Comment: In summary, the available evidence is currently insufficient to determine the role of this variant in disease. Therefore, it has been classified as a Variant of Uncertain Significance. Algorithms developed to predict the effect of sequence changes on RNA splicing suggest that this variant may create or strengthen a splice site. Algorithms developed to predict the effect of missense changes on protein structure and function (SIFT, PolyPhen-2, Align-GVGD) all suggest that this variant is likely to be tolerated. This variant has not been reported in the literature in individuals affected with PROSC-related conditions. This variant is present in population databases (rs768581196, gnomAD 0.0009%). This sequence change replaces proline, which is neutral and non-polar, with leucine, which is neutral and non-polar, at codon 158 of the PROSC protein (p.Pro158Leu).

NM_007198.4(PLPBP):c.473C>T (p.Pro158Leu)

Gene: PLPBP (pyridoxal phosphate binding protein; plus strand). Cytogenetic location: 8p11.23.
Variant type: single nucleotide variant.
Coding change: c.473C>T on transcript NM_007198.4 (MANE Select); coding-DNA position 473, C replaced by T.
Protein change: p.Pro158Leu; replaces proline 158 with leucine.
Molecular consequence: missense variant.
Genome position (GRCh38, 1-based): chr8:37,775,357, C>T. VCF-style: chr8-37775357-C-T. GRCh37 (hg19) VCF-style: chr8-37632875-C-T.
Other names: c.503C>T, p.Pro168Leu (NM_001349346.2); c.467C>T, p.Pro156Leu (NM_001349347.2); c.317C>T, p.Pro106Leu (NM_001349348.2); short protein forms P106L, P168L, P156L, P158L.
Identifiers: ClinVar variation 1912530 (VCV001912530.5), dbSNP rs768581196, ClinGen allele CA4711254.
Genomic context (GRCh38, chr8:37,775,357, plus strand): 5'-TTACCCTTGCAGTATACCTGTTTTCTGTTTCTTTTCTTGAAGGTAAACATGGCCTTCCAC[C>T]TTCAGAGACCATAGCCATCGTGGAGCACATAAACGCCAAGTGTCCTAACCTGGAGTTTGT-3'
Protein context (NP_009129.1, residues 148-168): SGEESKHGLP[Pro158Leu]SETIAIVEHI